The following is an entry in ClinVar:

NM_001164508.2(NEB):c.16654G>C (p.Asp5552His)

Gene: NEB (nebulin; minus strand). Cytogenetic location: 2q23.3.
Variant type: single nucleotide variant.
Coding change: c.16654G>C on transcript NM_001164508.2 (MANE Select); coding-DNA position 16654, G replaced by C.
Protein change: p.Asp5552His; replaces aspartic acid 5552 with histidine.
Molecular consequence: missense variant. On other transcripts: intron variant (1).
Genome position (GRCh38, 1-based): chr2:151,579,388, C>G on the plus strand (G>C on the coding strand, the complement: NEB is on the minus strand). VCF-style: chr2-151579388-C-G. GRCh37 (hg19) VCF-style: chr2-152435902-C-G.
Other names: c.16654G>C, p.Asp5552His (NM_001164507.2, NM_001271208.2); c.11602-3034G>C (NM_004543.5); short protein forms D5552H.
Identifiers: ClinVar variation 390005 (VCV000390005.1), dbSNP rs1057523613, ClinGen allele CA16603858.
Genomic context (GRCh38, chr2:151,579,388, plus strand): 5'-ACACACTTACGTCGCTCTGTAGGTCGTAGGCTTTCCTGGCTTGGATCACATCATTCTGGT[C>G]GGGAAAGCAAGACCAGCGGTGCAGGTAATGGCGATAGTCCACATCACTTGCCAGTGCCTG-3'
Protein context (NP_001157980.2, residues 5542-5562): HYLHRWSCFP[Asp5552His]QNDVIQARKA

ClinVar aggregate classification (germline): Likely benign (1 of 4 stars; one submission).

gnomAD v4.1: 13 of 1,531,220 alleles (0.00085%); highest among the groups gnomAD compares: Non-Finnish European, 0.0011%; 2 homozygotes.

Submission:

GeneDx
Classification: Likely benign. Last evaluated: 2016-10-17. Review status: criteria provided, single submitter. Criteria: GeneDx Variant Classification (06012015). Collection method: clinical testing. Allele origin: germline. Affected: yes.
Comment: This variant is considered likely benign or benign based on one or more of the following criteria: it is a conservative change, it occurs at a poorly conserved position in the protein, it is predicted to be benign by multiple in silico algorithms, and/or has population frequency not consistent with disease.